The following is an entry in ClinVar:

ClinVar aggregate classification (germline): Uncertain significance. Review status: criteria provided, multiple submitters, no conflicts (2 of 4 stars). 2 submissions from 2 submitters: Uncertain significance (2). Last evaluated 2024-03-06.

Conditions:
Hereditary cancer-predisposing syndrome. Also called: Tumor predisposition; Neoplastic Syndromes, Hereditary; Hereditary Cancer Syndrome; Hereditary neoplastic syndrome. Identifiers: Orphanet 140162, MedGen C0027672, MeSH D009386, MONDO:0015356.
Ataxia-telangiectasia syndrome (AT). Also called: ATAXIA-TELANGIECTASIA, COMPLEMENTATION GROUP A; ATAXIA-TELANGIECTASIA, FRESNO VARIANT; Ataxia-telangiectasia; Ataxia-telangiectasia, complementation group D; AT, COMPLEMENTATION GROUP C; Ataxia-telangiectasia, complementation group E. Identifiers: Orphanet 100, MedGen C0004135, MONDO:0008840, OMIM 208900.

Submissions (2):

Labcorp Genetics (formerly Invitae), Labcorp
Classification: Uncertain significance for Ataxia-telangiectasia syndrome. Last evaluated: 2024-03-06. Review status: criteria provided, single submitter. Criteria: Invitae Variant Classification Sherloc (09022015). Collection method: clinical testing. Allele origin: germline.
Comment: This sequence change replaces methionine, which is neutral and non-polar, with threonine, which is neutral and polar, at codon 2836 of the ATM protein (p.Met2836Thr). This variant is not present in population databases (gnomAD no frequency). This variant has not been reported in the literature in individuals affected with ATM-related conditions. ClinVar contains an entry for this variant (Variation ID: 822522). An algorithm developed to predict the effect of missense changes on protein structure and function (PolyPhen-2) suggests that this variant is likely to be tolerated. In summary, the available evidence is currently insufficient to determine the role of this variant in disease. Therefore, it has been classified as a Variant of Uncertain Significance.

Ambry Genetics
Classification: Uncertain significance for Hereditary cancer-predisposing syndrome. Last evaluated: 2019-06-17. Review status: criteria provided, single submitter. Criteria: Ambry Variant Classification Scheme 2023. Collection method: clinical testing. Allele origin: germline.
Comment: The p.M2836T variant (also known as c.8507T>C), located in coding exon 57 of the ATM gene, results from a T to C substitution at nucleotide position 8507. The methionine at codon 2836 is replaced by threonine, an amino acid with similar properties. This amino acid position is well conserved in available vertebrate species. In addition, this alteration is predicted to be deleterious by in silico analysis. Since supporting evidence is limited at this time, the clinical significance of this alteration remains unclear.

NM_000051.4(ATM):c.8507T>C (p.Met2836Thr)

Genes: C11orf65 (chromosome 11 open reading frame 65; minus strand), ATM (ATM serine/threonine kinase; plus strand). Cytogenetic location: 11q22.3.
Variant type: single nucleotide variant.
Coding change: c.8507T>C on transcript NM_000051.4 (MANE Select); coding-DNA position 8507, T replaced by C.
Protein change: p.Met2836Thr; replaces methionine 2836 with threonine.
Molecular consequence: missense variant. On other transcripts: intron variant (2).
Genome position (GRCh38, 1-based): chr11:108,345,831, T>C. VCF-style: chr11-108345831-T-C. GRCh37 (hg19) VCF-style: chr11-108216558-T-C.
Other names: c.8507T>C, p.Met2836Thr (NM_001351834.2); c.641-36760A>G (NM_001330368.2); c.695-10539A>G (NM_001351110.2); short protein forms M2836T.
Identifiers: ClinVar variation 822522 (VCV000822522.11), dbSNP rs1591264886, ClinGen allele CA382518211.
Genomic context (GRCh38, chr11:108,345,831, plus strand): 5'-AATATGAAGTCTTCATGGATGTTTGCCAAAATTTTCAACCAGTTTTCCGTTACTTCTGCA[T>C]GGAAAAATTCTTGGATCCAGCTATTTGGTTTGAGAAGCGATTGGCTTATACGCGCAGTGT-3'
Protein context (NP_000042.3, residues 2826-2846): NFQPVFRYFC[Met2836Thr]EKFLDPAIWF